The following is an entry in ClinVar:

NM_001369.3(DNAH5):c.3262+2T>G

Genes: DNAH5 (dynein axonemal heavy chain 5; minus strand), DNAH5-AS1 (DNAH5 antisense RNA 1; plus strand). Cytogenetic location: 5p15.2.
Variant type: single nucleotide variant.
Coding change: c.3262+2T>G on transcript NM_001369.3 (MANE Select); the canonical splice donor site of the intron after coding-DNA position 3262, T replaced by G.
Molecular consequence: splice donor variant.
Genome position (GRCh38, 1-based): chr5:13,882,726, A>C on the plus strand (T>G on the coding strand, the complement: DNAH5 is on the minus strand). VCF-style: chr5-13882726-A-C. GRCh37 (hg19) VCF-style: chr5-13882835-A-C.
Identifiers: ClinVar variation 1520318 (VCV001520318.6), dbSNP rs2151938077, ClinGen allele CA359191580.
Genomic context (GRCh38, chr5:13,882,726, plus strand): 5'-CATTTAAGCTCAATGAATGTTGATTTACAATGCCTCTTTTAAAAGACTAAAAGAACATTT[A>C]CCTTGAAGTTCATTTTCTCCCATTTCAACATCAGAATCACTGTCTTCATTACTCTGCAAA-3'

ClinVar aggregate classification (germline): Likely pathogenic (1 of 4 stars; one submission).

Conditions:
Primary ciliary dyskinesia. Also called: Ciliary dyskinesia. Identifiers: Orphanet 244, MedGen C0008780, MONDO:0016575, HP:0012265.

Submission:

Labcorp Genetics (formerly Invitae), Labcorp
Classification: Likely pathogenic for Primary ciliary dyskinesia. Last evaluated: 2021-08-18. Review status: criteria provided, single submitter. Criteria: Invitae Variant Classification Sherloc (09022015). Collection method: clinical testing. Allele origin: germline.
Comment: In summary, the currently available evidence indicates that the variant is pathogenic, but additional data are needed to prove that conclusively. Therefore, this variant has been classified as Likely Pathogenic. Algorithms developed to predict the effect of sequence changes on RNA splicing suggest that this variant may disrupt the consensus splice site. This variant has not been reported in the literature in individuals affected with DNAH5-related conditions. This variant is not present in population databases (ExAC no frequency). This sequence change affects a donor splice site in intron 21 of the DNAH5 gene. It is expected to disrupt RNA splicing. Variants that disrupt the donor or acceptor splice site typically lead to a loss of protein function (PMID: 16199547), and loss-of-function variants in DNAH5 are known to be pathogenic (PMID: 11788826, 16627867).

Literature cited by the submitters: PubMed 16199547; PubMed 11788826; PubMed 16627867.